The following is an entry in ClinVar:

ClinVar aggregate classification (germline): Uncertain significance (1 of 4 stars; one submission).

gnomAD v4.1: 2 of 1,614,168 alleles (0.00012%); highest among the groups gnomAD compares: African/African-American, 0.0013%; no homozygotes.

Submission:

Labcorp Genetics (formerly Invitae), Labcorp
Classification: Uncertain significance. Last evaluated: 2025-04-21. Review status: criteria provided, single submitter. Criteria: Invitae Variant Classification Sherloc (09022015). Collection method: clinical testing. Allele origin: germline.
Comment: This sequence change replaces proline, which is neutral and non-polar, with glutamine, which is neutral and polar, at codon 240 of the EMC1 protein (p.Pro240Gln). This variant is not present in population databases (gnomAD no frequency). This variant has not been reported in the literature in individuals affected with EMC1-related conditions. ClinVar contains an entry for this variant (Variation ID: 1957489). Invitae Evidence Modeling of protein sequence and biophysical properties (such as structural, functional, and spatial information, amino acid conservation, physicochemical variation, residue mobility, and thermodynamic stability) indicates that this missense variant is not expected to disrupt EMC1 protein function with a negative predictive value of 80%. In summary, the available evidence is currently insufficient to determine the role of this variant in disease. Therefore, it has been classified as a Variant of Uncertain Significance.

NM_015047.3(EMC1):c.719C>A (p.Pro240Gln)

Genes: EMC1 (ER membrane protein complex subunit 1; minus strand), EMC1-AS1 (EMC1 antisense RNA 1; plus strand). Cytogenetic location: 1p36.13.
Variant type: single nucleotide variant.
Coding change: c.719C>A on transcript NM_015047.3 (MANE Select); coding-DNA position 719, C replaced by A.
Protein change: p.Pro240Gln; replaces proline 240 with glutamine.
Molecular consequence: missense variant. On other transcripts: non-coding transcript variant (1).
Genome position (GRCh38, 1-based): chr1:19,240,364, G>T on the plus strand (C>A on the coding strand, the complement: EMC1 is on the minus strand). VCF-style: chr1-19240364-G-T. GRCh37 (hg19) VCF-style: chr1-19566858-G-T.
Other names: c.719C>A, p.Pro240Gln (NM_001271427.2, NM_001271428.2, NM_001375820.1 and 1 more transcripts); c.653C>A, p.Pro218Gln (NM_001271429.2); short protein forms P240Q, P218Q.
Identifiers: ClinVar variation 1957489 (VCV001957489.5), dbSNP rs141614470, ClinGen allele CA338769003.